The following is an entry in ClinVar:

ClinVar aggregate classification (germline): Conflicting classifications of pathogenicity. Review status: criteria provided, conflicting classifications (1 of 4 stars). 3 submissions from 3 submitters: Likely pathogenic (1); Uncertain significance (2). Last evaluated 2024-10-31.

Conditions:
Hypercalcemia, infantile, 2 (HCINF2). Identifiers: Orphanet 300547, MedGen C4310473, MONDO:0014851, OMIM 616963.
Hypophosphatemic nephrolithiasis/osteoporosis 1. Identifiers: Orphanet 244305, MedGen C2676786, MONDO:0012850, OMIM 612286.
Fanconi renotubular syndrome 2 (FRTS2). Identifiers: MedGen C3150652, MONDO:0013247, OMIM 613388.
SLC34A1-related disorder. Also called: SLC34A1-related disorders; SLC34A1-related condition.

Submissions (3):

Blueprint Genetics
Classification: Likely pathogenic for SLC34A1-related disorders. Last evaluated: 2024-10-31. Review status: criteria provided, single submitter. Criteria: ACMG Guidelines, 2015. Collection method: clinical testing. Allele origin: germline. Affected: yes. Observed: 5 variant alleles.

Labcorp Genetics (formerly Invitae), Labcorp
Classification: Uncertain significance. Last evaluated: 2024-01-08. Review status: criteria provided, single submitter. Criteria: Invitae Variant Classification Sherloc (09022015). Collection method: clinical testing. Allele origin: germline.
Comment: This variant, c.409_411del, results in the deletion of 1 amino acid(s) of the SLC34A1 protein (p.Phe137del), but otherwise preserves the integrity of the reading frame. This variant is present in population databases (rs758233945, gnomAD 0.004%). This variant has not been reported in the literature in individuals affected with SLC34A1-related conditions. ClinVar contains an entry for this variant (Variation ID: 1363004). Experimental studies and prediction algorithms are not available or were not evaluated, and the functional significance of this variant is currently unknown. In summary, the available evidence is currently insufficient to determine the role of this variant in disease. Therefore, it has been classified as a Variant of Uncertain Significance.

Fulgent Genetics
Classification: Uncertain significance for Hypophosphatemic nephrolithiasis/osteoporosis 1; Fanconi renotubular syndrome 2; Hypercalcemia, infantile, 2. Last evaluated: 2022-02-13. Review status: criteria provided, single submitter. Criteria: ACMG Guidelines, 2015. Collection method: clinical testing. Allele origin: unknown.

NM_003052.5(SLC34A1):c.409_411del (p.Phe137del)

Gene: SLC34A1 (solute carrier family 34 member 1; plus strand). Cytogenetic location: 5q35.3.
Variant type: Deletion.
Coding change: c.409_411del on transcript NM_003052.5 (MANE Select); coding-DNA positions 409 to 411, 3 bases deleted (TTC; older notation c.409_411delTTC).
Protein change: p.Phe137del; deletes phenylalanine 137.
Molecular consequence: inframe deletion.
Genome position (GRCh38, 1-based): chr5:177,386,443-177,386,445, TTC deleted; deleting any 3 consecutive bases within chr5:177,386,441-177,386,445 gives the same sequence; the c. name uses the placement nearest the transcript's 3' end. VCF-style (leftmost placement, unchanged base first): chr5-177386440-ATCT-A. GRCh37 (hg19) VCF-style: chr5-176813441-ATCT-A.
Other names: c.409_411del, p.Phe137del (NM_001167579.2); short protein forms F137del.
Identifiers: ClinVar variation 1363004 (VCV001363004.6), dbSNP rs758233945, ClinGen allele CA3580377.